The following is an entry in ClinVar:

NM_019032.6(ADAMTSL4):c.2444G>T (p.Gly815Val)

Gene: ADAMTSL4 (ADAMTS like 4; plus strand). Cytogenetic location: 1q21.2.
Variant type: single nucleotide variant.
Coding change: c.2444G>T on transcript NM_019032.6 (MANE Select); coding-DNA position 2444, G replaced by T.
Protein change: p.Gly815Val; replaces glycine 815 with valine.
Molecular consequence: missense variant.
Genome position (GRCh38, 1-based): chr1:150,558,534, G>T. VCF-style: chr1-150558534-G-T. GRCh37 (hg19) VCF-style: chr1-150531010-G-T.
Other names: c.2327G>T, p.Gly776Val (NM_001288607.2); c.2513G>T, p.Gly838Val (NM_001288608.2); c.2444G>T, p.Gly815Val (NM_001378596.1, NM_025008.5); short protein forms G776V, G815V, G838V.
Identifiers: ClinVar variation 2092856 (VCV002092856.4), dbSNP rs2526767860, ClinGen allele CA342315138.
Genomic context (GRCh38, chr1:150,558,534, plus strand): 5'-GCTCCGTGCGGTGCGGCCGGGGCCAGAGAAGCCGGCAGGTTCGCTGTGTTGGGAACAATG[G>T]TGATGAAGTGAGCGAGCAGGAGTGTGCGTCAGGCCCCCCGCAGCCCCCCAGCAGAGAGGC-3'
Protein context (NP_061905.2, residues 805-825): SRQVRCVGNN[Gly815Val]DEVSEQECAS

ClinVar aggregate classification (germline): Uncertain significance (1 of 4 stars; one submission).

Submission:

Labcorp Genetics (formerly Invitae), Labcorp
Classification: Uncertain significance. Last evaluated: 2022-11-29. Review status: criteria provided, single submitter. Criteria: Invitae Variant Classification Sherloc (09022015). Collection method: clinical testing. Allele origin: germline.
Comment: In summary, the available evidence is currently insufficient to determine the role of this variant in disease. Therefore, it has been classified as a Variant of Uncertain Significance. Algorithms developed to predict the effect of missense changes on protein structure and function (SIFT, PolyPhen-2, Align-GVGD) all suggest that this variant is likely to be disruptive. This variant has not been reported in the literature in individuals affected with ADAMTSL4-related conditions. This variant is not present in population databases (gnomAD no frequency). This sequence change replaces glycine, which is neutral and non-polar, with valine, which is neutral and non-polar, at codon 815 of the ADAMTSL4 protein (p.Gly815Val).